The following is an entry in ClinVar:

ClinVar aggregate classification (germline): Uncertain significance (1 of 4 stars; one submission).

Conditions:
Hereditary cancer-predisposing syndrome. Also called: Hereditary neoplastic syndrome; Neoplastic Syndromes, Hereditary; Tumor predisposition; Hereditary Cancer Syndrome. Identifiers: Orphanet 140162, MedGen C0027672, MeSH D009386, MONDO:0015356.

Submission:

Ambry Genetics
Classification: Uncertain significance for Hereditary cancer-predisposing syndrome. Last evaluated: 2021-12-06. Review status: criteria provided, single submitter. Criteria: Ambry Variant Classification Scheme 2023. Collection method: clinical testing. Allele origin: germline.
Comment: The p.A2324E variant (also known as c.6971C>A), located in coding exon 46 of the ATM gene, results from a C to A substitution at nucleotide position 6971. The alanine at codon 2324 is replaced by glutamic acid, an amino acid with dissimilar properties. This amino acid position is conserved. In addition, this alteration is predicted to be tolerated by in silico analysis. Since supporting evidence is limited at this time, the clinical significance of this alteration remains unclear.

NM_000051.4(ATM):c.6971C>A (p.Ala2324Glu)

Genes: ATM (ATM serine/threonine kinase; plus strand), C11orf65 (chromosome 11 open reading frame 65; minus strand). Cytogenetic location: 11q22.3.
Variant type: single nucleotide variant.
Coding change: c.6971C>A on transcript NM_000051.4 (MANE Select); coding-DNA position 6971, C replaced by A.
Protein change: p.Ala2324Glu; replaces alanine 2324 with glutamic acid.
Molecular consequence: missense variant. On other transcripts: intron variant (2).
Genome position (GRCh38, 1-based): chr11:108,326,221, C>A. VCF-style: chr11-108326221-C-A. GRCh37 (hg19) VCF-style: chr11-108196948-C-A.
Other names: c.6971C>A, p.Ala2324Glu (NM_001351834.2); c.641-17150G>T (NM_001330368.2); c.*38+8999G>T (NM_001351110.2); short protein forms A2324E.
Identifiers: ClinVar variation 1756388 (VCV001756388.2), dbSNP rs2136340286, ClinGen allele CA382557449.